The following is an entry in ClinVar:

ClinVar aggregate classification (germline): Pathogenic (1 of 4 stars; one submission).

Conditions:
Vertebral, cardiac, tracheoesophageal, renal, and limb defects. Also called: VCTERL SYNDROME. Identifiers: MedGen C5543189, MONDO:0030987, OMIM 619227.

Submission:

Variantyx, Inc.
Classification: Pathogenic for Vertebral, cardiac, tracheoesophageal, renal, and limb defects. Last evaluated: 2025-03-20. Review status: criteria provided, single submitter. Criteria: Variantyx Assertion Criteria 2022. Collection method: clinical testing. Allele origin: de novo. Affected: yes.
Comment: This is a nonsense variant in the WBP11 gene (OMIM: 618083). Pathogenic variants in this gene have been associated with autosomal dominant Vertebral, cardiac, tracheoesophageal, renal, and limb defects. This variant introduces a premature termination codon in exon 6 out of 12. It is expected to result in loss of function, which is a known disease mechanism for WBP11 in this disorder (PMID: 33276377) (PVS1). This variant is absent from control populations (PM2_Supporting). Based on the current evidence, this variant is classified as pathogenic for autosomal dominant Vertebral, cardiac, tracheoesophageal, renal, and limb defects.

NM_016312.3(WBP11):c.403G>T (p.Glu135Ter)

Gene: WBP11 (WW domain binding protein 11; minus strand). Cytogenetic location: 12p12.3.
Variant type: single nucleotide variant.
Coding change: c.403G>T on transcript NM_016312.3 (MANE Select); coding-DNA position 403, G replaced by T.
Protein change: p.Glu135Ter; replaces glutamic acid 135 with a stop codon.
Molecular consequence: nonsense.
Genome position (GRCh38, 1-based): chr12:14,795,089, C>A on the plus strand (G>T on the coding strand, the complement: WBP11 is on the minus strand). VCF-style: chr12-14795089-C-A. GRCh37 (hg19) VCF-style: chr12-14948023-C-A.
Other names: short protein forms E135*.
Identifiers: ClinVar variation 4759233 (VCV004759233.1).